The following is an entry in ClinVar:

ClinVar aggregate classification (germline): Uncertain significance (1 of 4 stars; one submission).

Allele frequency attached by ClinVar (database versions not stated): gnomAD exomes below 0.00001; TOPMed below 0.00001; gnomAD 0.00001.
gnomAD v4.1: 7 of 1,560,318 alleles (0.00045%); highest among the groups gnomAD compares: Non-Finnish European, 0.00061%; no homozygotes.

Submission:

Labcorp Genetics (formerly Invitae), Labcorp
Classification: Uncertain significance. Last evaluated: 2024-06-17. Review status: criteria provided, single submitter. Criteria: Invitae Variant Classification Sherloc (09022015). Collection method: clinical testing. Allele origin: germline.
Comment: This sequence change replaces valine, which is neutral and non-polar, with isoleucine, which is neutral and non-polar, at codon 700 of the MYLK3 protein (p.Val700Ile). This variant is present in population databases (no rsID available, gnomAD 0.001%). This variant has not been reported in the literature in individuals affected with MYLK3-related conditions. ClinVar contains an entry for this variant (Variation ID: 1926144). An algorithm developed to predict the effect of missense changes on protein structure and function (PolyPhen-2) suggests that this variant is likely to be disruptive. In summary, the available evidence is currently insufficient to determine the role of this variant in disease. Therefore, it has been classified as a Variant of Uncertain Significance.

NM_182493.3(MYLK3):c.2098G>A (p.Val700Ile)

Gene: MYLK3 (myosin light chain kinase 3; minus strand). Cytogenetic location: 16q11.2.
Variant type: single nucleotide variant.
Coding change: c.2098G>A on transcript NM_182493.3 (MANE Select); coding-DNA position 2098, G replaced by A.
Protein change: p.Val700Ile; replaces valine 700 with isoleucine.
Molecular consequence: missense variant.
Genome position (GRCh38, 1-based): chr16:46,712,664, C>T on the plus strand (G>A on the coding strand, the complement: MYLK3 is on the minus strand). VCF-style: chr16-46712664-C-T. GRCh37 (hg19) VCF-style: chr16-46746576-C-T.
Other names: c.1075G>A, p.Val359Ile (NM_001308301.1); short protein forms V700I, V359I.
Identifiers: ClinVar variation 1926144 (VCV001926144.5), dbSNP rs1341314005, ClinGen allele CA395787768.